The following is an entry in ClinVar:

NM_000264.5(PTCH1):c.3735_3758del (p.Gly1246_Gln1253del)

Gene: PTCH1 (patched 1; minus strand). Cytogenetic location: 9q22.32.
Variant type: Deletion.
Coding change: c.3735_3758del on transcript NM_000264.5 (MANE Select); coding-DNA positions 3735 to 3758, 24 bases deleted (GGGCGCGGGAGGCCCTGCCCACCA).
Protein change: p.Gly1246_Gln1253del.
Molecular consequence: inframe deletion. On other transcripts: non-coding transcript variant (1), inframe indel (1).
Genome position (GRCh38, 1-based): chr9:95,449,115-95,449,138, TGGTGGGCAGGGCCTCCCGCGCCC deleted on the plus strand (GGGCGCGGGAGGCCCTGCCCACCA on the coding strand, the reverse complement: PTCH1 is on the minus strand); deleting any 24 consecutive bases within chr9:95,449,115-95,449,140 gives the same sequence; the c. name uses the placement nearest the transcript's 3' end. VCF-style (leftmost placement, unchanged base first): chr9-95449114-TTGGTGGGCAGGGCCTCCCGCGCCC-T. GRCh37 (hg19) VCF-style: chr9-98211396-TTGGTGGGCAGGGCCTCCCGCGCCC-T.
Other names: c.3537_3560del, p.Gly1180_Gln1187del (NM_001083602.3); c.3732_3755del, p.Gly1245_Gln1252del (NM_001083603.3); c.3282_3305del, p.Gly1095_Gln1102del (NM_001083604.3, NM_001083605.3, NM_001083606.3 and 1 more transcripts); c.3579_3602del, p.Gly1194_Gln1201del (NM_001354918.2); c.3735_3758del24 (NM_000264.5, NM_000264.3).
Identifiers: ClinVar variation 2449620 (VCV002449620.3), dbSNP rs2538012863, ClinGen allele CA2580081085.

ClinVar aggregate classification (germline): Uncertain significance. Review status: criteria provided, multiple submitters, no conflicts (2 of 4 stars). 2 submissions from 2 submitters: Uncertain significance (2). Last evaluated 2026-05-11.

Conditions:
Hereditary cancer-predisposing syndrome. Also called: Neoplastic Syndromes, Hereditary; Tumor predisposition; Hereditary neoplastic syndrome; Hereditary Cancer Syndrome. Identifiers: Orphanet 140162, MedGen C0027672, MeSH D009386, MONDO:0015356.

Submissions (2):

Women's Health and Genetics/Laboratory Corporation of America, LabCorp
Classification: Uncertain significance. Last evaluated: 2026-05-11. Review status: criteria provided, single submitter. Criteria: LabCorp Variant Classification Summary - May 2015. Collection method: clinical testing. Allele origin: germline.
Comment: Variant summary: PTCH1 c.3735_3758del24 (p.Gly1246_Gln1253del) results in an in-frame deletion that is predicted to remove 8 amino acids from the encoded protein. The variant was absent in 250850 control chromosomes. The available data on variant occurrences in the general population are insufficient to allow any conclusion about variant significance. To our knowledge, no occurrence of c.3735_3758del24 in individuals affected with PTCH1-related conditions and no experimental evidence demonstrating its impact on protein function have been reported. ClinVar contains an entry for this variant (Variation ID: 2449620). Based on the evidence outlined above, the variant was classified as uncertain significance.

Ambry Genetics
Classification: Uncertain significance for Hereditary cancer-predisposing syndrome. Last evaluated: 2022-11-21. Review status: criteria provided, single submitter. Criteria: Ambry Variant Classification Scheme 2023. Collection method: clinical testing. Allele origin: germline.
Comment: The c.3735_3758del24 variant (also known as p.G1246_Q1253del) is located in coding exon 22 of the PTCH1 gene. This variant results from an in-frame GGGCGCGGGAGGCCCTGCCCACCA deletion at nucleotide positions 3735 to 3758. This results in the in-frame deletion of 8 residues (GAGGPAHQ) between codons 1246 to 1253. This amino acid region is not well conserved in available vertebrate species. Since supporting evidence is limited at this time, the clinical significance of this alteration remains unclear.